The following is an entry in ClinVar:

ClinVar aggregate classification (germline): Uncertain significance. Review status: criteria provided, multiple submitters, no conflicts (2 of 4 stars). 3 submissions from 3 submitters: Uncertain significance (3). Last evaluated 2026-08-03.

Conditions:
PLEC-related disorder. Also called: PLEC-related disorders; PLEC-related condition.
Epidermolysis bullosa simplex 5B, with muscular dystrophy (EBS5B). Also called: Epidermolysis bullosa simplex with muscular dystrophy; EPIDERMOLYSIS BULLOSA SIMPLEX AND LIMB-GIRDLE MUSCULAR DYSTROPHY. Identifiers: Orphanet 257, MedGen C2931072, MONDO:0009181, OMIM 226670.
Epidermolysis bullosa simplex with nail dystrophy (EBS5D). Identifiers: MedGen C4225309, MONDO:0014661, OMIM 616487.
Epidermolysis bullosa simplex 5C, with pyloric atresia (EBS5C). Also called: PLEC-Related Epidermolysis Bullosa with Pyloric Atresia; Epidermolysis bullosa simplex with pyloric atresia; PLEC1-Related Epidermolysis Bullosa with Pyloric Atresia. Identifiers: Orphanet 158684, MedGen C2677349, MONDO:0012807, OMIM 612138.
Epidermolysis bullosa simplex, Ogna type (EBS5A). Also called: Pidermolysis bullosa simplex 5A, Ogna type; EPIDERMOLYSIS BULLOSA SIMPLEX 5A, OGNA TYPE. Identifiers: Orphanet 79401, MedGen C0432317, MONDO:0007555, OMIM 131950.
Autosomal recessive limb-girdle muscular dystrophy type 2Q (LGMDR17). Also called: MUSCULAR DYSTROPHY, LIMB-GIRDLE, AUTOSOMAL RECESSIVE 17. Identifiers: Orphanet 254361, MedGen C3150989, MONDO:0013390, OMIM 613723.

Allele frequency attached by ClinVar (database versions not stated): gnomAD exomes 0.00003 and 0.00004; TOPMed 0.00006; ExAC 0.00008; gnomAD 0.00008 and 0.00009.
gnomAD v4.1: 47 of 1,556,460 alleles (0.003%); highest among the groups gnomAD compares: African/African-American, 0.018%; no homozygotes.

Submissions (3):

PreventionGenetics, part of Exact Sciences
Classification: Uncertain significance for PLEC-related condition. Last evaluated: 2026-08-03. Review status: criteria provided, single submitter. Criteria: ACMG Guidelines, 2015. Collection method: clinical testing. Allele origin: germline.
Comment: The PLEC c.4967G>A variant is predicted to result in the amino acid substitution p.Arg1656Gln. To our knowledge, this variant has not been reported in the literature. This variant is reported in 0.018% of alleles in individuals of African descent in gnomAD. At this time, the clinical significance of this variant is uncertain due to the absence of conclusive functional and genetic evidence.

Labcorp Genetics (formerly Invitae), Labcorp
Classification: Uncertain significance for Autosomal recessive limb-girdle muscular dystrophy type 2Q; Epidermolysis bullosa simplex, Ogna type; Epidermolysis bullosa simplex with nail dystrophy; Epidermolysis bullosa simplex 5C, with pyloric atresia; Epidermolysis bullosa simplex 5B, with muscular dystrophy. Last evaluated: 2025-12-16. Review status: criteria provided, single submitter. Criteria: Invitae Variant Classification Sherloc (09022015). Collection method: clinical testing. Allele origin: germline.
Comment: This sequence change replaces arginine, which is basic and polar, with glutamine, which is neutral and polar, at codon 1656 of the PLEC protein (p.Arg1656Gln). This variant is present in population databases (rs782516531, gnomAD 0.02%). This variant has not been reported in the literature in individuals affected with PLEC-related conditions. ClinVar contains an entry for this variant (Variation ID: 1010477). Invitae Evidence Modeling of protein sequence and biophysical properties (such as structural, functional, and spatial information, amino acid conservation, physicochemical variation, residue mobility, and thermodynamic stability) indicates that this missense variant is not expected to disrupt PLEC protein function with a negative predictive value of 80%. In summary, the available evidence is currently insufficient to determine the role of this variant in disease. Therefore, it has been classified as a Variant of Uncertain Significance.

Revvity Omics, Revvity
Classification: Uncertain significance. Last evaluated: 2023-06-30. Review status: criteria provided, single submitter. Criteria: ACMG Guidelines, 2015. Collection method: clinical testing. Allele origin: germline.

NM_201384.3(PLEC):c.4886G>A (p.Arg1629Gln)

Gene: PLEC (plectin; minus strand). Cytogenetic location: 8q24.3.
Variant type: single nucleotide variant.
Coding change: c.4886G>A on transcript NM_201384.3 (MANE Select); coding-DNA position 4886, G replaced by A.
Protein change: p.Arg1629Gln; replaces arginine 1629 with glutamine.
Molecular consequence: missense variant.
Genome position (GRCh38, 1-based): chr8:143,925,043, C>T on the plus strand (G>A on the coding strand, the complement: PLEC is on the minus strand). VCF-style: chr8-143925043-C-T. GRCh37 (hg19) VCF-style: chr8-144999211-C-T.
Other names: c.4967G>A, p.Arg1656Gln (NM_000445.5); c.4844G>A, p.Arg1615Gln (NM_201378.4); c.4820G>A, p.Arg1607Gln (NM_201379.3); c.5297G>A, p.Arg1766Gln (NM_201380.4); c.4790G>A, p.Arg1597Gln (NM_201381.3); c.4886G>A, p.Arg1629Gln (NM_201382.4); c.4898G>A, p.Arg1633Gln (NM_201383.3); c.4967G>A (NM_000445.4); short protein forms R1597Q, R1607Q, R1615Q, R1629Q, R1633Q, R1656Q, R1766Q.
Identifiers: ClinVar variation 1010477 (VCV001010477.8), dbSNP rs782516531, ClinGen allele CA4926508.